The following is an entry in ClinVar:

ClinVar aggregate classification (germline): Likely pathogenic (1 of 4 stars; one submission).

Conditions:
Myopia, high, with cataract and vitreoretinal degeneration (MCVD). Identifiers: MedGen C3280346, MONDO:0013670, OMIM 614292.

Submission:

3billion
Classification: Likely pathogenic for Myopia, high, with cataract and vitreoretinal degeneration. Last evaluated: 2025-07-16. Review status: criteria provided, single submitter. Criteria: ACMG Guidelines, 2015. Collection method: clinical testing. Allele origin: germline. Affected: yes.
Comment: The variant is observed at an extremely low frequency in the gnomAD v4.1.0 dataset (total allele frequency: <0.001%). Predicted Consequence/Location: Frameshift: predicted to result in a loss or disruption of normal protein function through nonsense-mediated decay (NMD) or protein truncation. Multiple pathogenic variants are reported downstream of the variant. Therefore, this variant is classified as Likely pathogenic according to the recommendation of ACMG/AMP guideline.

NM_018192.4(P3H2):c.759dup (p.Pro254fs)

Gene: P3H2 (prolyl 3-hydroxylase 2; minus strand). Cytogenetic location: 3q28.
Variant type: Duplication.
Coding change: c.759dup on transcript NM_018192.4 (MANE Select); coding-DNA position 759, one base duplicated (G; older notation c.759dupG).
Protein change: p.Pro254fs; shifts the reading frame from proline 254.
Molecular consequence: frameshift variant.
Genome position (GRCh38, 1-based): chr3:189,994,158, C duplicated on the plus strand (G on the coding strand, the reverse complement: P3H2 is on the minus strand); the first of 4 consecutive C bases (chr3:189,994,158-189,994,161); duplicating any one gives the same sequence. VCF-style (leftmost placement, unchanged base first): chr3-189994157-G-GC. GRCh37 (hg19) VCF-style: chr3-189711946-G-GC.
Other names: c.216dup, p.Pro73fs (NM_001134418.2); short protein forms P254fs, P73fs.
Identifiers: ClinVar variation 4855290 (VCV004855290.1).